The following is an entry in ClinVar:

NM_006231.4(POLE):c.4309G>A (p.Ala1437Thr)

Gene: POLE (DNA polymerase epsilon, catalytic subunit; minus strand). Cytogenetic location: 12q24.33.
Variant type: single nucleotide variant.
Coding change: c.4309G>A on transcript NM_006231.4 (MANE Select); coding-DNA position 4309, G replaced by A.
Protein change: p.Ala1437Thr; replaces alanine 1437 with threonine.
Molecular consequence: missense variant.
Genome position (GRCh38, 1-based): chr12:132,643,542, C>T on the plus strand (G>A on the coding strand, the complement: POLE is on the minus strand). VCF-style: chr12-132643542-C-T. GRCh37 (hg19) VCF-style: chr12-133220128-C-T.
Other names: short protein forms A1437T.
Identifiers: ClinVar variation 859034 (VCV000859034.9), dbSNP rs2042205050, ClinGen allele CA387381542.
Genomic context (GRCh38, chr12:132,643,542, plus strand): 5'-CTGAAAGGTGCCTCACCAGCTGTTTATTGACCACACACACACAGCCCAGGTGCACCAGGG[C>T]CCGGAACAGTAACGGAACCTGGAAGAATCGGGCAGACAGGCCGGCAAGGGCTGGATGGTG-3'
Protein context (NP_006222.2, residues 1427-1447): YETQVPLLFR[Ala1437Thr]LVHLGCVCVV

ClinVar aggregate classification (germline): Uncertain significance (1 of 4 stars; one submission).

Submission:

Labcorp Genetics (formerly Invitae), Labcorp
Classification: Uncertain significance. Last evaluated: 2025-08-24. Review status: criteria provided, single submitter. Criteria: Invitae Variant Classification Sherloc (09022015). Collection method: clinical testing. Allele origin: germline.
Comment: This sequence change replaces alanine, which is neutral and non-polar, with threonine, which is neutral and polar, at codon 1437 of the POLE protein (p.Ala1437Thr). This variant is not present in population databases (gnomAD no frequency). This variant has not been reported in the literature in individuals affected with POLE-related conditions. ClinVar contains an entry for this variant (Variation ID: 859034). Invitae Evidence Modeling of protein sequence and biophysical properties (such as structural, functional, and spatial information, amino acid conservation, physicochemical variation, residue mobility, and thermodynamic stability) indicates that this missense variant is not expected to disrupt POLE protein function with a negative predictive value of 80%. In summary, the available evidence is currently insufficient to determine the role of this variant in disease. Therefore, it has been classified as a Variant of Uncertain Significance.